The following is an entry in ClinVar:

ClinVar aggregate classification (germline): Uncertain significance (1 of 4 stars; one submission).

Conditions:
Hereditary cancer-predisposing syndrome. Also called: Neoplastic Syndromes, Hereditary; Tumor predisposition; Hereditary neoplastic syndrome; Hereditary Cancer Syndrome. Identifiers: Orphanet 140162, MedGen C0027672, MeSH D009386, MONDO:0015356.

Submission:

Ambry Genetics
Classification: Uncertain significance for Hereditary cancer-predisposing syndrome. Last evaluated: 2026-07-06. Review status: criteria provided, single submitter. Criteria: Ambry Variant Classification Scheme 2023. Collection method: clinical testing. Allele origin: germline.
Comment: The p.L1124W variant (also known as c.3371T>G), located in coding exon 22 of the PTCH1 gene, results from a T to G substitution at nucleotide position 3371. The leucine at codon 1124 is replaced by tryptophan, an amino acid with similar properties. This amino acid position is conserved. In addition, this alteration is predicted to be tolerated by in silico analysis. Based on the available evidence, the clinical significance of this variant remains unclear.

NM_000264.5(PTCH1):c.3569T>G (p.Leu1190Trp)

Gene: PTCH1 (patched 1; minus strand). Cytogenetic location: 9q22.32.
Variant type: single nucleotide variant.
Coding change: c.3569T>G on transcript NM_000264.5 (MANE Select); coding-DNA position 3569, T replaced by G.
Protein change: p.Leu1190Trp; replaces leucine 1190 with tryptophan.
Molecular consequence: missense variant. On other transcripts: non-coding transcript variant (1).
Genome position (GRCh38, 1-based): chr9:95,449,304, A>C on the plus strand (T>G on the coding strand, the complement: PTCH1 is on the minus strand). VCF-style: chr9-95449304-A-C. GRCh37 (hg19) VCF-style: chr9-98211586-A-C.
Other names: c.3371T>G, p.Leu1124Trp (NM_001083602.3); c.3566T>G, p.Leu1189Trp (NM_001083603.3); c.3116T>G, p.Leu1039Trp (NM_001083604.3, NM_001083605.3, NM_001083606.3 and 1 more transcripts); c.3413T>G, p.Leu1138Trp (NM_001354918.2); short protein forms L1138W, L1039W, L1124W, L1189W, L1190W.
Identifiers: ClinVar variation 5027485 (VCV005027485.1).